The following is an entry in ClinVar:

ClinVar aggregate classification (germline): Pathogenic (1 of 4 stars; one submission).

Conditions:
Brody myopathy. Also called: BRODY DISEASE. Identifiers: Orphanet 53347, MedGen C1832918, MONDO:0010977, OMIM 601003.

Submission:

Labcorp Genetics (formerly Invitae), Labcorp
Classification: Pathogenic for Brody myopathy. Last evaluated: 2019-12-23. Review status: criteria provided, single submitter. Criteria: Invitae Variant Classification Sherloc (09022015). Collection method: clinical testing. Allele origin: germline.
Comment: A gross deletion of the genomic region encompassing the full coding sequence of the ATP2A1 gene has been identified. The boundaries of this event are unknown as the deletion extends beyond the assayed region for this gene and therefore may encompass additional genes. Isolated whole-gene deletions of ATP2A1 have not been reported in the literature. However, larger copy number events that include this gene have been reported (PMID: 17882224, 24707176). Loss-of-function variants in ATP2A1 are known to be pathogenic (PMID: 8841193, 10914677, 23911890). For these reasons, this variant has been classified as Pathogenic.

Literature cited by the submitters: PubMed 24707176; PubMed 17882224.

NC_000016.10:g.(?_28878662)_(28904215_?)del

Gene: ATP2A1 (ATPase sarcoplasmic/endoplasmic reticulum Ca2+ transporting 1; plus strand). Cytogenetic location: 16p11.2.
Variant type: Deletion.
Identifiers: ClinVar variation 833503 (VCV000833503.1).